The following is an entry in ClinVar:

ClinVar aggregate classification (germline): Pathogenic/Likely pathogenic. Review status: criteria provided, multiple submitters, no conflicts (2 of 4 stars). 2 submissions from 2 submitters: Pathogenic (1); Likely pathogenic (1). Last evaluated 2024-01-10.

Conditions:
KIDINS220-related disorder. Also called: KIDINS220-related condition.
Spastic paraplegia, intellectual disability, nystagmus, and obesity. Also called: Spastic paraplegia, intellectual disability, nystagmus, and obesity;. Identifiers: Orphanet 521390, MedGen C4284592, MONDO:0015007, OMIM 617296.

Submissions (2):

Illumina Laboratory Services, Illumina
Classification: Pathogenic for Spastic paraplegia, intellectual disability, nystagmus, and obesity. Last evaluated: 2024-01-10. Review status: criteria provided, single submitter. Criteria: ICSLVariantClassificationCriteria RUGD 01 April 2020. Collection method: clinical testing. Allele origin: unknown.
Comment: The KIDINS220 c.4177C>T p.(Gln1393Ter) nonsense variant has been reported in one multigenerational family in three individuals described as having motor developmental delay, spastic paraplegia, hypertonia, hyperactivity of tendon reflexes, and brain MRI abnormalities (PMID: 38148610). This variant was absent in an unaffected relative in this family (PMID: 38148610) and has not been observed in version 2.1.1 or version 4.0.0 of the Genome Aggregation Database. Multiple functional studies conducted in mice and cell culture demonstrated that this variant results in a truncation that impacts protein function through a gain of function mechanism (PMID: 38148610). Based on the available evidence, the c.4177C>T p.(Gln1393Ter) variant is classified as pathogenic for spastic paraplegia, intellectual disability, nystagmus and obesity.

Blueprint Genetics
Classification: Likely pathogenic for KIDINS220-related disorders. Last evaluated: 2023-01-09. Review status: criteria provided, single submitter. Criteria: ACMG Guidelines, 2015. Collection method: clinical testing. Allele origin: germline. Affected: yes. Observed: 1 variant allele.

Literature cited by the submitters: PubMed 38148610 (cited by Illumina Laboratory Services, Illumina).

NM_020738.4(KIDINS220):c.4177C>T (p.Gln1393Ter)

Gene: KIDINS220 (kinase D interacting substrate 220; minus strand). Cytogenetic location: 2p25.1.
Variant type: single nucleotide variant.
Coding change: c.4177C>T on transcript NM_020738.4 (MANE Select); coding-DNA position 4177, C replaced by T.
Protein change: p.Gln1393Ter; replaces glutamine 1393 with a stop codon.
Molecular consequence: nonsense. On other transcripts: intron variant (6).
Genome position (GRCh38, 1-based): chr2:8,731,859, G>A on the plus strand (C>T on the coding strand, the complement: KIDINS220 is on the minus strand). VCF-style: chr2-8731859-G-A. GRCh37 (hg19) VCF-style: chr2-8871989-G-A.
Other names: c.4180C>T, p.Gln1394Ter (NM_001348729.2); c.4123C>T, p.Gln1375Ter (NM_001348731.2); c.4120C>T, p.Gln1374Ter (NM_001348732.2); c.4009C>T, p.Gln1337Ter (NM_001348734.2); c.4006C>T, p.Gln1336Ter (NM_001348735.2); c.3880C>T, p.Gln1294Ter (NM_001348736.2); c.3882+1585C>T (NM_001348741.2, NM_001348742.2, NM_001348743.2); c.3996+1585C>T (NM_001348738.2); and 1 more; short protein forms Q1294*, Q1336*, Q1337*, Q1374*, Q1375*, Q1393*, Q1394*.
Identifiers: ClinVar variation 3893243 (VCV003893243.2).